The following is an entry in ClinVar:

NM_198721.4(COL25A1):c.1923+5A>G

Gene: COL25A1 (collagen type XXV alpha 1 chain; minus strand). Cytogenetic location: 4q25.
Variant type: single nucleotide variant.
Coding change: c.1923+5A>G on transcript NM_198721.4 (MANE Select); 5 bases into the intron after coding-DNA position 1923, A replaced by G.
Molecular consequence: intron variant.
Genome position (GRCh38, 1-based): chr4:108,819,247, T>C on the plus strand (A>G on the coding strand, the complement: COL25A1 is on the minus strand). VCF-style: chr4-108819247-T-C. GRCh37 (hg19) VCF-style: chr4-109740403-T-C.
Other names: NC_000004.11:g.109740403T>C.
Identifiers: ClinVar variation 3775258 (VCV003775258.2).

ClinVar aggregate classification (germline): Uncertain significance (1 of 4 stars; one submission).

Conditions:
Fibrosis of extraocular muscles, congenital, 5 (CFEOM5). Identifiers: Orphanet 233, Orphanet 91411, MedGen C4015552, MONDO:0014538, OMIM 616219.

gnomAD v4.1: 188 of 1,603,434 alleles (0.012%); highest among the groups gnomAD compares: East Asian, 0.31%; 2 homozygotes.

Submissions (2):

3billion
Classification: Uncertain significance for Fibrosis of extraocular muscles, congenital, 5. Last evaluated: 2024-02-23. Review status: criteria provided, single submitter. Criteria: ACMG Guidelines, 2015. Collection method: clinical testing. Allele origin: germline. Affected: yes.
Comment: The variant is observed at an extremely low frequency in the gnomAD v2.1.1 dataset (total allele frequency: 0.035%). Predicted Consequence/Location: Intron variant In silico tools predict the variant to alter splicing and produce an abnormal transcript [SpliceAI: 0.22 (>=0.2, moderate evidence for spliceogenicity)]. Therefore, this variant is classified as VUS according to the recommendation of ACMG/AMP guideline.

Dr. Peter K. Rogan Lab, Western University
No classification provided (evidence only). Condition: Sarcoma. Review status: no classification provided. Collection method: in vitro. Allele origin: not applicable. Functional consequence: retained intron. Not counted in ClinVar's aggregate classification.